The following is an entry in ClinVar:

ClinVar aggregate classification (germline): Likely benign (0 of 4 stars; one submission).

Conditions:
LRP1B-related disorder. Also called: LRP1B-related condition.

Allele frequency attached by ClinVar (database versions not stated): ExAC 0.00002; gnomAD exomes 0.00003; gnomAD 0.00012; ESP Exome Variant Server 0.00015; TOPMed 0.00015.
gnomAD v4.1: 63 of 1,611,714 alleles (0.0039%); highest among the groups gnomAD compares: African/African-American, 0.028%; no homozygotes.

Submission:

PreventionGenetics, part of Exact Sciences
Classification: Likely benign for LRP1B-related condition. Last evaluated: 2019-05-23. Review status: no assertion criteria provided. Collection method: clinical testing. Allele origin: germline.
Comment: This variant is classified as likely benign based on ACMG/AMP sequence variant interpretation guidelines (Richards et al. 2015 PMID: 25741868, with internal and published modifications).

NM_018557.3(LRP1B):c.8522-8G>A

Gene: LRP1B (LDL receptor related protein 1B; minus strand). Cytogenetic location: 2q22.1.
Variant type: single nucleotide variant.
Coding change: c.8522-8G>A on transcript NM_018557.3 (MANE Select); 8 bases into the intron before coding-DNA position 8522, G replaced by A.
Molecular consequence: intron variant.
Genome position (GRCh38, 1-based): chr2:140,503,111, C>T on the plus strand (G>A on the coding strand, the complement: LRP1B is on the minus strand). VCF-style: chr2-140503111-C-T. GRCh37 (hg19) VCF-style: chr2-141260680-C-T.
Identifiers: ClinVar variation 3038670 (VCV003038670.2), dbSNP rs201444730, ClinGen allele CA1893950.